The following is an entry in ClinVar:

NM_000206.3(IL2RG):c.280T>A (p.Ser94Thr)

Gene: IL2RG (interleukin 2 receptor subunit gamma; minus strand). Cytogenetic location: Xq13.1.
Variant type: single nucleotide variant.
Coding change: c.280T>A on transcript NM_000206.3 (MANE Select); coding-DNA position 280, T replaced by A.
Protein change: p.Ser94Thr; replaces serine 94 with threonine.
Molecular consequence: missense variant.
Genome position (GRCh38, 1-based): chrX:71,110,678, A>T on the plus strand (T>A on the coding strand, the complement: IL2RG is on the minus strand). VCF-style: chrX-71110678-A-T. GRCh37 (hg19) VCF-style: chrX-70330528-A-T.
Other names: short protein forms S94T.
Identifiers: ClinVar variation 1421204 (VCV001421204.8), dbSNP rs201187311, ClinGen allele CA10443895.

ClinVar aggregate classification (germline): Uncertain significance (1 of 4 stars; one submission).

Conditions:
X-linked severe combined immunodeficiency (SCIDX1). Also called: IMMUNODEFICIENCY 4; SCID, X-LINKED; SEVERE COMBINED IMMUNODEFICIENCY, X-LINKED, T CELL-NEGATIVE, B CELL-POSITIVE, NK CELL-NEGATIVE; T-B+ severe combined immunodeficiency due to gamma chain deficiency; X-Linked Combined Immunodeficiency Diseases. Identifiers: Orphanet 276, MedGen C6022468, MONDO:0010315, OMIM 300400. Disease mechanism: loss of function.

Allele frequency attached by ClinVar (database versions not stated): ExAC 0.00001; gnomAD 0.00001; gnomAD exomes 0.00002 and 0.00004; ESP Exome Variant Server 0.00009.

Submission:

Labcorp Genetics (formerly Invitae), Labcorp
Classification: Uncertain significance for X-linked severe combined immunodeficiency. Last evaluated: 2025-02-25. Review status: criteria provided, single submitter. Criteria: Invitae Variant Classification Sherloc (09022015). Collection method: clinical testing. Allele origin: germline.
Comment: This sequence change replaces serine, which is neutral and polar, with threonine, which is neutral and polar, at codon 94 of the IL2RG protein (p.Ser94Thr). This variant is present in population databases (rs201187311, gnomAD 0.004%). This variant has not been reported in the literature in individuals affected with IL2RG-related conditions. ClinVar contains an entry for this variant (Variation ID: 1421204). Invitae Evidence Modeling of protein sequence and biophysical properties (such as structural, functional, and spatial information, amino acid conservation, physicochemical variation, residue mobility, and thermodynamic stability) indicates that this missense variant is not expected to disrupt IL2RG protein function with a negative predictive value of 95%. In summary, the available evidence is currently insufficient to determine the role of this variant in disease. Therefore, it has been classified as a Variant of Uncertain Significance.